The following is an entry in ClinVar:

NM_005097.4(LGI1):c.988C>T (p.Arg330Ter)

Gene: LGI1 (leucine rich glioma inactivated 1; plus strand). Cytogenetic location: 10q23.33.
Variant type: single nucleotide variant.
Coding change: c.988C>T on transcript NM_005097.4 (MANE Select); coding-DNA position 988, C replaced by T.
Protein change: p.Arg330Ter; replaces arginine 330 with a stop codon.
Molecular consequence: nonsense. On other transcripts: non-coding transcript variant (1), intron variant (1).
Genome position (GRCh38, 1-based): chr10:93,797,117, C>T. VCF-style: chr10-93797117-C-T. GRCh37 (hg19) VCF-style: chr10-95556874-C-T.
Other names: c.844C>T, p.Arg282Ter (NM_001308276.2); c.839-632C>T (NM_001308275.2); short protein forms R282*, R330*.
Identifiers: ClinVar variation 1455204 (VCV001455204.4), dbSNP rs1027289865, ClinGen allele CA211585562.

ClinVar aggregate classification (germline): Pathogenic. Review status: criteria provided, multiple submitters, no conflicts (2 of 4 stars). 2 submissions from 2 submitters: Pathogenic (2). Last evaluated 2023-04-18.

Conditions:
Epilepsy, familial temporal lobe, 1. Identifiers: Orphanet 101046, MedGen CN030884, MONDO:0700090, OMIM 600512.
Autosomal dominant epilepsy with auditory features. Identifiers: Orphanet 101046, MedGen C1838062, MONDO:0010898.

Allele frequency attached by ClinVar (database versions not stated): gnomAD 0.00001; TOPMed 0.00001.
gnomAD v4.1: 2 of 1,613,608 alleles (0.00012%); highest among the groups gnomAD compares: African/African-American, 0.0013%; no homozygotes.

Submissions (2):

Institute of Human Genetics, University of Leipzig Medical Center
Classification: Pathogenic for Epilepsy, familial temporal lobe, 1. Last evaluated: 2023-04-18. Review status: criteria provided, single submitter. Criteria: ACMG Guidelines, 2015. Collection method: clinical testing. Allele origin: maternal. Affected: yes.
Comment: _x000D_ Criteria applied: PVS1, PS4_MOD, PP1_MOD, PM2_SUP

Labcorp Genetics (formerly Invitae), Labcorp
Classification: Pathogenic for Autosomal dominant epilepsy with auditory features. Last evaluated: 2021-07-12. Review status: criteria provided, single submitter. Criteria: Invitae Variant Classification Sherloc (09022015). Collection method: clinical testing. Allele origin: germline.
Comment: For these reasons, this variant has been classified as Pathogenic. This variant disrupts a region of the LGI1 protein in which other variant(s) (p.Ile547Asnfs*8) have been determined to be pathogenic (PMID: 11810107, 15857855, 18711109). This suggests that this is a clinically significant region of the protein, and that variants that disrupt it are likely to be disease-causing. This premature translational stop signal has been observed in individual(s) with autosomal dominant lateral temporal lobe epilepsy (PMID: 30284771). It has also been observed to segregate with disease in related individuals. This variant is not present in population databases (ExAC no frequency). This sequence change creates a premature translational stop signal (p.Arg330*) in the LGI1 gene. While this is not anticipated to result in nonsense mediated decay, it is expected to disrupt the last 228 amino acid(s) of the LGI1 protein.

Literature cited by the submitters: PubMed 11810107 (cited by Labcorp Genetics (formerly Invitae), Labcorp); PubMed 15857855 (cited by Labcorp Genetics (formerly Invitae), Labcorp); PubMed 18711109 (cited by Labcorp Genetics (formerly Invitae), Labcorp); PubMed 30284771 (cited by Labcorp Genetics (formerly Invitae), Labcorp).